The following is an entry in ClinVar:

ClinVar aggregate classification (germline): Uncertain significance (1 of 4 stars; one submission).

Submission:

Labcorp Genetics (formerly Invitae), Labcorp
Classification: Uncertain significance. Last evaluated: 2024-10-23. Review status: criteria provided, single submitter. Criteria: Invitae Variant Classification Sherloc (09022015). Collection method: clinical testing. Allele origin: germline.
Comment: This sequence change replaces methionine, which is neutral and non-polar, with isoleucine, which is neutral and non-polar, at codon 825 of the SON protein (p.Met825Ile). This variant is present in population databases (rs565521486, gnomAD 0.01%). This variant has not been reported in the literature in individuals affected with SON-related conditions. An algorithm developed to predict the effect of missense changes on protein structure and function (PolyPhen-2) suggests that this variant is likely to be disruptive. In summary, the available evidence is currently insufficient to determine the role of this variant in disease. Therefore, it has been classified as a Variant of Uncertain Significance.

NM_138927.4(SON):c.2475G>A (p.Met825Ile)

Gene: SON (SON DNA and RNA binding protein; plus strand). Cytogenetic location: 21q22.11.
Variant type: single nucleotide variant.
Coding change: c.2475G>A on transcript NM_138927.4 (MANE Select); coding-DNA position 2475, G replaced by A.
Protein change: p.Met825Ile; replaces methionine 825 with isoleucine.
Molecular consequence: missense variant. On other transcripts: non-coding transcript variant (1), intron variant (1).
Genome position (GRCh38, 1-based): chr21:33,551,706, G>A. VCF-style: chr21-33551706-G-A. GRCh37 (hg19) VCF-style: chr21-34924012-G-A.
Other names: c.2475G>A, p.Met825Ile (NM_001291411.2, NM_032195.3); c.244+5327G>A (NM_001291412.3); short protein forms M825I.
Identifiers: ClinVar variation 3612131 (VCV003612131.2).
Genomic context (GRCh38, chr21:33,551,706, plus strand): 5'-GTTAGCAACCAGCTCCATGGACTCCCAGATGTTAGCAACCAGCTCCATGGACTCCCAGAT[G>A]TTAGCAACCAGCTCCATGGACTCCCAGATGTTAGCAACCAGCACCATGGATTCTCAGATG-3'
Protein context (NP_620305.3, residues 815-835): MLATSSMDSQ[Met825Ile]LATSSMDSQM